The following is an entry in ClinVar:

NM_022114.4(PRDM16):c.1187-10G>C

Gene: PRDM16 (PR/SET domain 16; plus strand). Cytogenetic location: 1p36.32.
Variant type: single nucleotide variant.
Coding change: c.1187-10G>C on transcript NM_022114.4 (MANE Select); 10 bases into the intron before coding-DNA position 1187, G replaced by C.
Molecular consequence: intron variant.
Genome position (GRCh38, 1-based): chr1:3,411,374, G>C. VCF-style: chr1-3411374-G-C. GRCh37 (hg19) VCF-style: chr1-3327938-G-C.
Other names: c.1187-10G>C (NM_199454.3).
Identifiers: ClinVar variation 229157 (VCV000229157.20), dbSNP rs201517837, ClinGen allele CA544140.

ClinVar aggregate classification (germline): Conflicting classifications of pathogenicity. Review status: criteria provided, conflicting classifications (1 of 4 stars). 6 submissions from 6 submitters: Uncertain significance (1); Benign (1); Likely benign (2). 2 of the submissions do not count toward it. Last evaluated 2026-01-12.

Conditions:
Left ventricular noncompaction 8 (LVNC8). Identifiers: Orphanet 154, Orphanet 54260, MedGen C3809288, MONDO:0014152, OMIM 615373.

Allele frequency attached by ClinVar (database versions not stated): ExAC 0.00016; gnomAD exomes 0.00019; TOPMed 0.00022; gnomAD 0.00013 and 0.00014; ESP Exome Variant Server 0.00023.
gnomAD v4.1: 367 of 1,593,444 alleles (0.023%); highest among the groups gnomAD compares: Admixed American, 0.034%; 1 homozygote.

Submissions (6):

Labcorp Genetics (formerly Invitae), Labcorp
Classification: Likely benign for Left ventricular noncompaction 8. Last evaluated: 2026-01-12. Review status: criteria provided, single submitter. Criteria: Invitae Variant Classification Sherloc (09022015). Collection method: clinical testing. Allele origin: germline.

Women's Health and Genetics/Laboratory Corporation of America, LabCorp
Classification: Benign. Last evaluated: 2024-09-22. Review status: criteria provided, single submitter. Criteria: LabCorp Variant Classification Summary - May 2015. Collection method: clinical testing. Allele origin: germline.

GeneDx
Classification: Likely benign. Last evaluated: 2020-01-29. Review status: criteria provided, single submitter. Criteria: GeneDx Variant Classification Process June 2021. Collection method: clinical testing. Allele origin: germline. Affected: yes.

Laboratory for Molecular Medicine, Mass General Brigham Personalized Medicine
Classification: Uncertain significance. Last evaluated: 2015-05-26. Review status: criteria provided, single submitter. Criteria: LMM Criteria. Collection method: clinical testing. Allele origin: germline. Observed: 2 variant alleles.
Comment: The c.1187-10G>C in PRDM16 has not been previously reported in individuals with cardiomyopathy, but has been identified in 15/65236 European chromosomes by the Exome Aggregation Consortium (ExAC; dbSNP rs2015 17837). This variant is located in the 3' splice region. Computational tools do not predict altered splicing, though this information is not predictive enough t o rule out pathogenicity. In summary, the clinical significance of the c.1187-10 G>C variant is uncertain.

Clinical Genetics, Academic Medical Center
Classification: Benign. Review status: no assertion criteria provided. Collection method: clinical testing. Allele origin: germline. Affected: yes. Study: VKGL Data-share Consensus. Not counted in ClinVar's aggregate classification.

Joint Genome Diagnostic Labs from Nijmegen and Maastricht, Radboudumc and MUMC+
Classification: Likely benign. Review status: no assertion criteria provided. Collection method: clinical testing. Allele origin: germline. Affected: yes. Study: VKGL Data-share Consensus. Not counted in ClinVar's aggregate classification.